The following is an entry in ClinVar:

ClinVar aggregate classification (germline): Likely pathogenic (1 of 4 stars; one submission).

Conditions:
Autosomal recessive Alport syndrome (ATS2). Also called: ALPORT SYNDROME 2, AUTOSOMAL RECESSIVE; Alport syndrome type 2; COL4A4 Alport Syndrome and Thin Basement Membrane Nephropathy; COL4A3-Related Nephropathy. Identifiers: Orphanet 63, Orphanet 88919, MedGen C4746745, MONDO:0008762, OMIM 203780.

Submission:

Myriad Genetics, Inc.
Classification: Likely pathogenic for Autosomal recessive Alport syndrome. Last evaluated: 2020-01-08. Review status: criteria provided, single submitter. Criteria: Myriad Women's Health Autosomal Recessive and X-Linked Classification Criteria (2019). Collection method: clinical testing. Allele origin: unknown.
Comment: NM_000092.4(COL4A4):c.2137G>T(G713*) is expected to be pathogenic in the context of COL4A4-related Alport syndrome. This variant is predicted to lead to an abnormal or absent protein product due to the creation of a premature termination codon in COL4A4, a gene where loss-of-function variants are known to be pathogenic. Please note: this variant was assessed in the context of healthy population screening.

NM_000092.5(COL4A4):c.2137G>T (p.Gly713Ter)

Gene: COL4A4 (collagen type IV alpha 4 chain; minus strand). Cytogenetic location: 2q36.3.
Variant type: single nucleotide variant.
Coding change: c.2137G>T on transcript NM_000092.5 (MANE Select); coding-DNA position 2137, G replaced by T.
Protein change: p.Gly713Ter; replaces glycine 713 with a stop codon.
Molecular consequence: nonsense.
Genome position (GRCh38, 1-based): chr2:227,060,163, C>A on the plus strand (G>T on the coding strand, the complement: COL4A4 is on the minus strand). VCF-style: chr2-227060163-C-A. GRCh37 (hg19) VCF-style: chr2-227924879-C-A.
Other names: short protein forms G713*.
Identifiers: ClinVar variation 984167 (VCV000984167.3), dbSNP rs1976602205, ClinGen allele CA350842311.